The following is an entry in ClinVar:

NM_000487.6(ARSA):c.104A>T (p.Tyr35Phe)

Gene: ARSA (arylsulfatase A; minus strand). Cytogenetic location: 22q13.33.
Variant type: single nucleotide variant.
Coding change: c.104A>T on transcript NM_000487.6 (MANE Select); coding-DNA position 104, A replaced by T.
Protein change: p.Tyr35Phe; replaces tyrosine 35 with phenylalanine.
Molecular consequence: missense variant. On other transcripts: intron variant (2).
Genome position (GRCh38, 1-based): chr22:50,627,676, T>A on the plus strand (A>T on the coding strand, the complement: ARSA is on the minus strand). VCF-style: chr22-50627676-T-A. GRCh37 (hg19) VCF-style: chr22-51066104-T-A.
Other names: c.104A>T, p.Tyr35Phe (NM_001085425.3, NM_001085426.3, NM_001085427.3); c.-34-270A>T (NM_001362782.2); c.-35+270A>T (NM_001085428.3); short protein forms Y35F.
Identifiers: ClinVar variation 2120906 (VCV002120906.1), dbSNP rs74315268, ClinGen allele CA412183136.

ClinVar aggregate classification (germline): Uncertain significance (1 of 4 stars; one submission).

Conditions:
Metachromatic leukodystrophy (MLD). Also called: ARSA DEFICIENCY; CEREBROSIDE SULFATASE DEFICIENCY; Cerebral sclerosis diffuse metachromatic form; METACHROMATIC LEUKOENCEPHALOPATHY; Arylsulfatase A Deficiency; SULFATIDE LIPIDOSIS. Identifiers: Orphanet 512, MedGen C0023522, MONDO:0018868, OMIM 250100.

Allele frequency attached by ClinVar (database versions not stated): gnomAD exomes below 0.00001.
gnomAD v4.1: 2 of 1,558,074 alleles (0.00013%); highest among the groups gnomAD compares: Non-Finnish European, 0.00017%; no homozygotes.

Submission:

Labcorp Genetics (formerly Invitae), Labcorp
Classification: Uncertain significance for Metachromatic leukodystrophy. Last evaluated: 2022-08-16. Review status: criteria provided, single submitter. Criteria: Invitae Variant Classification Sherloc (09022015). Collection method: clinical testing. Allele origin: germline.
Comment: This sequence change replaces tyrosine, which is neutral and polar, with phenylalanine, which is neutral and non-polar, at codon 35 of the ARSA protein (p.Tyr35Phe). This variant is not present in population databases (gnomAD no frequency). This variant has not been reported in the literature in individuals affected with ARSA-related conditions. Algorithms developed to predict the effect of missense changes on protein structure and function (SIFT, PolyPhen-2, Align-GVGD) all suggest that this variant is likely to be tolerated. In summary, the available evidence is currently insufficient to determine the role of this variant in disease. Therefore, it has been classified as a Variant of Uncertain Significance.